The following is an entry in ClinVar:

NM_001458.5(FLNC):c.1132G>A (p.Val378Met)

Gene: FLNC (filamin C; plus strand). Cytogenetic location: 7q32.1.
Variant type: single nucleotide variant.
Coding change: c.1132G>A on transcript NM_001458.5 (MANE Select); coding-DNA position 1132, G replaced by A.
Protein change: p.Val378Met; replaces valine 378 with methionine.
Molecular consequence: missense variant.
Genome position (GRCh38, 1-based): chr7:128,838,351, G>A. VCF-style: chr7-128838351-G-A. GRCh37 (hg19) VCF-style: chr7-128478405-G-A.
Other names: c.1132G>A, p.Val378Met (NM_001127487.2); short protein forms V378M.
Identifiers: ClinVar variation 3753210 (VCV003753210.3).
Genomic context (GRCh38, chr7:128,838,351, plus strand): 5'-AACATTGAACGCAGTCCCTTTGAGGTGAACGTGGGCATGGCCCTGGGAGATGCCAACAAG[G>A]TGTCAGCCCGTGGCCCTGGCCTGGAACCTGTGGGCAATGTGGCCAACAAACCCACCTACT-3'
Protein context (NP_001449.3, residues 368-388): VGMALGDANK[Val378Met]SARGPGLEPV

ClinVar aggregate classification (germline): Uncertain significance. Review status: criteria provided, multiple submitters, no conflicts (2 of 4 stars). 2 submissions from 2 submitters: Uncertain significance (2). Last evaluated 2025-08-06.

Conditions:
Myofibrillar myopathy 5. Also called: Filaminopathy (type); FILAMINOPATHY, AUTOSOMAL DOMINANT. Identifiers: Orphanet 171445, MedGen C1836050, MONDO:0012289, OMIM 609524.
Distal myopathy with posterior leg and anterior hand involvement. Also called: WILLIAMS DISTAL MYOPATHY. Identifiers: Orphanet 63273, MedGen C3279722, MONDO:0013550, OMIM 614065.
Hypertrophic cardiomyopathy 26. Also called: Cardiomyopathy, familial hypertrophic, 26. Identifiers: Orphanet 75249, MedGen C4310749, MONDO:0014883, OMIM 617047.

gnomAD v4.1: 2 of 1,614,118 alleles (0.00012%); highest among the groups gnomAD compares: Non-Finnish European, 0.00017%; no homozygotes.

Submissions (2):

GeneDx
Classification: Uncertain significance. Last evaluated: 2025-08-06. Review status: criteria provided, single submitter. Criteria: GeneDx Variant Classification Process June 2021. Collection method: clinical testing. Allele origin: germline. Affected: yes.
Comment: Not observed at significant frequency in large population cohorts (gnomAD); In silico analysis supports that this missense variant has a deleterious effect on protein structure/function; Has not been previously published as pathogenic or benign to our knowledge

Labcorp Genetics (formerly Invitae), Labcorp
Classification: Uncertain significance for Distal myopathy with posterior leg and anterior hand involvement; Myofibrillar myopathy 5; Hypertrophic cardiomyopathy 26. Last evaluated: 2024-07-22. Review status: criteria provided, single submitter. Criteria: Invitae Variant Classification Sherloc (09022015). Collection method: clinical testing. Allele origin: germline.
Comment: This sequence change replaces valine, which is neutral and non-polar, with methionine, which is neutral and non-polar, at codon 378 of the FLNC protein (p.Val378Met). This variant is not present in population databases (gnomAD no frequency). This variant has not been reported in the literature in individuals affected with FLNC-related conditions. Advanced modeling of protein sequence and biophysical properties (such as structural, functional, and spatial information, amino acid conservation, physicochemical variation, residue mobility, and thermodynamic stability) has been performed at Invitae for this missense variant, however the output from this modeling did not meet the statistical confidence thresholds required to predict the impact of this variant on FLNC protein function. In summary, the available evidence is currently insufficient to determine the role of this variant in disease. Therefore, it has been classified as a Variant of Uncertain Significance.